The following is an entry in ClinVar:

NM_177438.3(DICER1):c.907C>G (p.Leu303Val)

Gene: DICER1 (dicer 1, ribonuclease III; minus strand). Cytogenetic location: 14q32.13.
Variant type: single nucleotide variant.
Coding change: c.907C>G on transcript NM_177438.3 (MANE Select); coding-DNA position 907, C replaced by G.
Protein change: p.Leu303Val; replaces leucine 303 with valine.
Molecular consequence: missense variant. On other transcripts: 5 prime UTR variant (1), non-coding transcript variant (6).
Genome position (GRCh38, 1-based): chr14:95,124,665, G>C on the plus strand (C>G on the coding strand, the complement: DICER1 is on the minus strand). VCF-style: chr14-95124665-G-C. GRCh37 (hg19) VCF-style: chr14-95591002-G-C.
Other names: c.907C>G, p.Leu303Val (NM_001195573.1, NM_001271282.3, NM_001291628.2 and 14 more transcripts); c.625C>G, p.Leu209Val (NM_001395686.1); c.502C>G, p.Leu168Val (NM_001395687.1, NM_001395688.1, NM_001395689.1 and 3 more transcripts); c.340C>G, p.Leu114Val (NM_001395691.1); c.-662C>G (NM_001395697.1); short protein forms L168V, L209V, L303V, L114V.
Identifiers: ClinVar variation 3840006 (VCV003840006.1).

ClinVar aggregate classification (germline): Uncertain significance (1 of 4 stars; one submission).

Conditions:
Hereditary cancer-predisposing syndrome. Also called: Hereditary neoplastic syndrome; Neoplastic Syndromes, Hereditary; Tumor predisposition; Hereditary Cancer Syndrome. Identifiers: Orphanet 140162, MedGen C0027672, MeSH D009386, MONDO:0015356.

Submission:

Ambry Genetics
Classification: Uncertain significance for Hereditary cancer-predisposing syndrome. Last evaluated: 2025-01-14. Review status: criteria provided, single submitter. Criteria: Ambry Variant Classification Scheme 2023. Collection method: clinical testing. Allele origin: germline.
Comment: The p.L303V variant (also known as c.907C>G), located in coding exon 7 of the DICER1 gene, results from a C to G substitution at nucleotide position 907. The leucine at codon 303 is replaced by valine, an amino acid with highly similar properties. This amino acid position is conserved. In addition, the in silico prediction for this alteration is inconclusive. Based on the available evidence, the clinical significance of this variant remains unclear.